The following is an entry in ClinVar:

ClinVar aggregate classification (germline): Uncertain significance (1 of 4 stars; one submission).

Submission:

Labcorp Genetics (formerly Invitae), Labcorp
Classification: Uncertain significance. Last evaluated: 2023-09-20. Review status: criteria provided, single submitter. Criteria: Invitae Variant Classification Sherloc (09022015). Collection method: clinical testing. Allele origin: germline.
Comment: This variant has not been reported in the literature in individuals affected with ANK1-related conditions. This sequence change replaces glutamine, which is neutral and polar, with histidine, which is basic and polar, at codon 740 of the ANK1 protein (p.Gln740His). This variant is not present in population databases (gnomAD no frequency). Advanced modeling of protein sequence and biophysical properties (such as structural, functional, and spatial information, amino acid conservation, physicochemical variation, residue mobility, and thermodynamic stability) performed at Invitae indicates that this missense variant is not expected to disrupt ANK1 protein function. In summary, the available evidence is currently insufficient to determine the role of this variant in disease. Therefore, it has been classified as a Variant of Uncertain Significance.

NM_000037.4(ANK1):c.2220G>C (p.Gln740His)

Gene: ANK1 (ankyrin 1; minus strand). Cytogenetic location: 8p11.21.
Variant type: single nucleotide variant.
Coding change: c.2220G>C on transcript NM_000037.4 (MANE Select); coding-DNA position 2220, G replaced by C.
Protein change: p.Gln740His; replaces glutamine 740 with histidine.
Molecular consequence: missense variant.
Genome position (GRCh38, 1-based): chr8:41,704,116, C>G on the plus strand (G>C on the coding strand, the complement: ANK1 is on the minus strand). VCF-style: chr8-41704116-C-G. GRCh37 (hg19) VCF-style: chr8-41561634-C-G.
Other names: c.2319G>C, p.Gln773His (NM_001142446.2); c.2220G>C, p.Gln740His (NM_020475.3, NM_020476.3, NM_020477.3); short protein forms Q740H, Q773H.
Identifiers: ClinVar variation 2761991 (VCV002761991.3), dbSNP rs2486839390, ClinGen allele CA371066333.
Genomic context (GRCh38, chr8:41,704,116, plus strand): 5'-TGGGGAAGCACCGTTTTTCAGAAGCAGAGTCACGATGTCTGTGTGTCCCTGCTGGGCTGC[C>G]TGGTGCAGGGGGCTGTATCCTAGCTGCAAAGTGAGCAGACATTTAGGCAGGGTTAGCCAG-3'
Protein context (NP_000028.3, residues 730-750): KTKLGYSPLH[Gln740His]AAQQGHTDIV